The following is an entry in ClinVar:

ClinVar aggregate classification (germline): Pathogenic/Likely pathogenic. Review status: criteria provided, multiple submitters, no conflicts (2 of 4 stars). 4 submissions from 4 submitters: Pathogenic (1); Likely pathogenic (3). Last evaluated 2025-03-18.

Conditions:
Usher syndrome type 2C. Also called: Usher syndrome, type 2B; USHER SYNDROME, TYPE IIC. Identifiers: Orphanet 231178, Orphanet 886, MedGen C2931213, MONDO:0011558, OMIM 605472.
ADGRV1-related disorder. Also called: ADGRV1-related disorders; ADGRV1-related condition.

Allele frequency attached by ClinVar (database versions not stated): TOPMed 0.00002; gnomAD 0.00003; ESP Exome Variant Server 0.00008.
gnomAD v4.1: 8 of 1,612,806 alleles (0.0005%); highest among the groups gnomAD compares: African/African-American, 0.0013%; no homozygotes.

Submissions (4):

PreventionGenetics, part of Exact Sciences
Classification: Likely pathogenic for ADGRV1-related condition. Last evaluated: 2025-03-18. Review status: criteria provided, single submitter. Criteria: ACMG Guidelines, 2015. Collection method: clinical testing. Allele origin: germline.
Comment: The ADGRV1 c.12436C>T variant is predicted to result in premature protein termination (p.Arg4146*). To our knowledge, this variant has not been reported in patients with ADGRV1 related disorders. This variant is reported in 0.0041% of alleles in individuals of African descent in gnomAD. Nonsense variants in ADGRV1 are expected to be pathogenic. This variant is interpreted as likely pathogenic.

Blueprint Genetics
Classification: Likely pathogenic for ADGRV1-related disorders. Last evaluated: 2024-07-15. Review status: criteria provided, single submitter. Criteria: ACMG Guidelines, 2015. Collection method: clinical testing. Allele origin: germline. Affected: yes. Observed: 2 variant alleles.

Labcorp Genetics (formerly Invitae), Labcorp
Classification: Pathogenic. Last evaluated: 2024-01-26. Review status: criteria provided, single submitter. Criteria: Invitae Variant Classification Sherloc (09022015). Collection method: clinical testing. Allele origin: germline.
Comment: This sequence change creates a premature translational stop signal (p.Arg4146*) in the ADGRV1 gene. It is expected to result in an absent or disrupted protein product. Loss-of-function variants in ADGRV1 are known to be pathogenic (PMID: 19357117, 22135276, 22147658, 26226137, 30718709, 31047384, 32467589). This variant is present in population databases (rs369793306, gnomAD 0.004%). This variant has not been reported in the literature in individuals affected with ADGRV1-related conditions. ClinVar contains an entry for this variant (Variation ID: 375405). Algorithms developed to predict the effect of sequence changes on RNA splicing suggest that this variant may disrupt the consensus splice site. For these reasons, this variant has been classified as Pathogenic.

Knight Diagnostic Laboratories, Oregon Health and Sciences University
Classification: Likely pathogenic for Usher syndrome type 2C. Last evaluated: 2016-04-05. Review status: criteria provided, single submitter. Criteria: ACMG Guidelines, 2015. Collection method: clinical testing. Allele origin: germline. Affected: no. Study: CSER-NextGen.
Comment: The c.12436C>T (p.Arg4146*) nonsense variant in the GPR98 (also referred to as ADGRV1) gene is a novel variant that has not previously been reported. Loss of function variants in this gene are a known mechanism, and variants that predict premature protein truncation that are downstream of this c.1236C>T variant have been reported in affected individuals (Stabej PLQ et al . 2012; Garcia-Garcia G et al., 2013) . This variant is absent from the population databases (Exome Sequencing Project = NA; 1000 Genomes = NA; and ExAC = NA). Therefore, this collective evidence supports the classification of the c.12436C>T (p.Arg4146*) as a Likely pathogenic variant for Usher Syndrome Type IIC. We have confirmed this finding in our laboratory using Sanger sequencing.

Literature cited by the submitters: PubMed 19357117 (cited by Labcorp Genetics (formerly Invitae), Labcorp); PubMed 22135276 (cited by Labcorp Genetics (formerly Invitae), Labcorp); PubMed 22147658 (cited by Labcorp Genetics (formerly Invitae), Labcorp); PubMed 26226137 (cited by Labcorp Genetics (formerly Invitae), Labcorp); PubMed 30718709 (cited by Labcorp Genetics (formerly Invitae), Labcorp); PubMed 31047384 (cited by Labcorp Genetics (formerly Invitae), Labcorp); PubMed 32467589 (cited by Labcorp Genetics (formerly Invitae), Labcorp).

NM_032119.4(ADGRV1):c.12436C>T (p.Arg4146Ter)

Gene: ADGRV1 (adhesion G protein-coupled receptor V1; plus strand). Cytogenetic location: 5q14.3.
Variant type: single nucleotide variant.
Coding change: c.12436C>T on transcript NM_032119.4 (MANE Select); coding-DNA position 12436, C replaced by T.
Protein change: p.Arg4146Ter; replaces arginine 4146 with a stop codon.
Molecular consequence: nonsense. On other transcripts: non-coding transcript variant (1).
Genome position (GRCh38, 1-based): chr5:90,776,485, C>T. VCF-style: chr5-90776485-C-T. GRCh37 (hg19) VCF-style: chr5-90072302-C-T.
Other names: short protein forms R4146*.
Identifiers: ClinVar variation 375405 (VCV000375405.6), dbSNP rs369793306, ClinGen allele CA16044246.